The following is an entry in ClinVar:

NM_001166108.2(PALLD):c.1965-12961A>C

Gene: PALLD (palladin, cytoskeletal associated protein; plus strand). Cytogenetic location: 4q32.3.
Variant type: single nucleotide variant.
Coding change: c.1965-12961A>C on transcript NM_001166108.2 (MANE Select); 12961 bases into the intron before coding-DNA position 1965, A replaced by C.
Molecular consequence: intron variant. On other transcripts: missense variant (1).
Genome position (GRCh38, 1-based): chr4:168,877,961, A>C. VCF-style: chr4-168877961-A-C. GRCh37 (hg19) VCF-style: chr4-169799112-A-C.
Other names: c.70A>C, p.Lys24Gln (NM_001166110.2); c.1965-12961A>C (NM_016081.4); c.819-12961A>C (NM_001166109.2); c.-157-12961A>C (NM_001367570.1, NM_001367568.1, NM_001367567.1 and 1 more transcripts); short protein forms K24Q.
Identifiers: ClinVar variation 3885313 (VCV003885313.1).
Genomic context (GRCh38, chr4:168,877,961, plus strand): 5'-CTGGCCTCCCGCTCCGCCCCCGCCATGCAGTCCTCCGGCTCCTTCAACTACGCGCGCCCC[A>C]AGCAGTTCATCGCCGCGCAGAACCTCGGGCCCGCGTCGGGCCACGGCACGCCGGCCTCCA-3'

ClinVar aggregate classification (germline): Uncertain significance (1 of 4 stars; one submission).

Submission:

Ambry Genetics
Classification: Uncertain significance. Last evaluated: 2025-01-19. Review status: criteria provided, single submitter. Criteria: Ambry Variant Classification Scheme 2023. Collection method: clinical testing. Allele origin: germline.
Comment: The p.K24Q variant (also known as c.70A>C), located in coding exon 1 of the PALLD gene, results from an A to C substitution at nucleotide position 70. The lysine at codon 24 is replaced by glutamine, an amino acid with similar properties. This amino acid position is conserved. In addition, the in silico prediction for this alteration is inconclusive. Based on the available evidence, the clinical significance of this variant remains unclear.